The following is an entry in ClinVar:

ClinVar aggregate classification (germline): Uncertain significance (1 of 4 stars; one submission).

gnomAD v4.1: 26 of 1,592,144 alleles (0.0016%); highest among the groups gnomAD compares: Non-Finnish European, 0.0022%; no homozygotes.

Submission:

Labcorp Genetics (formerly Invitae), Labcorp
Classification: Uncertain significance. Last evaluated: 2025-10-21. Review status: criteria provided, single submitter. Criteria: Invitae Variant Classification Sherloc (09022015). Collection method: clinical testing. Allele origin: germline.
Comment: This sequence change replaces arginine, which is basic and polar, with glutamine, which is neutral and polar, at codon 72 of the AHDC1 protein (p.Arg72Gln). The frequency data for this variant in the population databases is considered unreliable, as metrics indicate poor data quality at this position in the gnomAD database. This variant has not been reported in the literature in individuals affected with AHDC1-related conditions. An algorithm developed to predict the effect of missense changes on protein structure and function (PolyPhen-2) suggests that this variant is likely to be tolerated. In summary, the available evidence is currently insufficient to determine the role of this variant in disease. Therefore, it has been classified as a Variant of Uncertain Significance.

NM_001371928.1(AHDC1):c.215G>A (p.Arg72Gln)

Gene: AHDC1 (AT-hook DNA binding motif containing 1; minus strand). Cytogenetic location: 1p36.11.
Variant type: single nucleotide variant.
Coding change: c.215G>A on transcript NM_001371928.1 (MANE Select); coding-DNA position 215, G replaced by A.
Protein change: p.Arg72Gln; replaces arginine 72 with glutamine.
Molecular consequence: missense variant.
Genome position (GRCh38, 1-based): chr1:27,551,901, C>T on the plus strand (G>A on the coding strand, the complement: AHDC1 is on the minus strand). VCF-style: chr1-27551901-C-T. GRCh37 (hg19) VCF-style: chr1-27878412-C-T.
Other names: c.215G>A, p.Arg72Gln (NM_001029882.3); short protein forms R72Q.
Identifiers: ClinVar variation 4691904 (VCV004691904.1).